The following is an entry in ClinVar:

ClinVar aggregate classification (germline): Pathogenic (1 of 4 stars; one submission).

Conditions:
Tuberous sclerosis 1 (TSC1). Identifiers: Orphanet 805, MedGen C1854465, MONDO:0008612, OMIM 191100.

Submission:

Labcorp Genetics (formerly Invitae), Labcorp
Classification: Pathogenic for Tuberous sclerosis 1. Last evaluated: 2023-04-25. Review status: criteria provided, single submitter. Criteria: Invitae Variant Classification Sherloc (09022015). Collection method: clinical testing. Allele origin: germline.
Comment: For these reasons, this variant has been classified as Pathogenic. This variant has not been reported in the literature in individuals affected with TSC1-related conditions. This variant is not present in population databases (gnomAD no frequency). This sequence change creates a premature translational stop signal (p.Asp273Phefs*24) in the TSC1 gene. It is expected to result in an absent or disrupted protein product. Loss-of-function variants in TSC1 are known to be pathogenic (PMID: 10227394, 17304050).

Literature cited by the submitters: PubMed 10227394; PubMed 17304050.

NM_000368.5(TSC1):c.817_824del (p.Asp273fs)

Gene: TSC1 (TSC complex subunit 1; minus strand). Cytogenetic location: 9q34.13.
Variant type: Deletion.
Coding change: c.817_824del on transcript NM_000368.5 (MANE Select); coding-DNA positions 817 to 824, 8 bases deleted (GATGGCTA; older notation c.817_824delGATGGCTA).
Protein change: p.Asp273fs; shifts the reading frame from aspartic acid 273.
Molecular consequence: frameshift variant. On other transcripts: 5 prime UTR variant (5), non-coding transcript variant (5).
Genome position (GRCh38, 1-based): chr9:132,912,371-132,912,378, TAGCCATC deleted on the plus strand (GATGGCTA on the coding strand, the reverse complement: TSC1 is on the minus strand); deleting any 8 consecutive bases within chr9:132,912,371-132,912,379 gives the same sequence; the c. name uses the placement nearest the transcript's 3' end. VCF-style (leftmost placement, unchanged base first): chr9-132912370-ATAGCCATC-A. GRCh37 (hg19) VCF-style: chr9-135787757-ATAGCCATC-A.
Other names: c.817_824del, p.Asp273fs (NM_001162426.2, NM_001406592.1, NM_001406593.1 and 16 more transcripts); c.664_671del, p.Asp222fs (NM_001162427.2, NM_001406610.1, NM_001406611.1 and 2 more transcripts); c.454_461del, p.Asp152fs (NM_001362177.2, NM_001406614.1, NM_001406615.1 and 10 more transcripts); c.-135_-128del (NM_001406626.1, NM_001406627.1, NM_001406628.1); c.-277_-270del (NM_001406629.1, NM_001406630.1); short protein forms D152fs, D222fs, D273fs.
Identifiers: ClinVar variation 2859131 (VCV002859131.3), dbSNP rs2538892559, ClinGen allele CA2739264827.